The following is an entry in ClinVar:

ClinVar aggregate classification (germline): Likely benign (1 of 4 stars; one submission).

Allele frequency attached by ClinVar (database versions not stated): ExAC 0.00001; gnomAD exomes 0.00001.
gnomAD v4.1: 2 of 1,209,475 alleles (0.00017%); highest among the groups gnomAD compares: South Asian, 0.0035%; no homozygotes.

Submission:

GeneDx
Classification: Likely benign. Last evaluated: 2017-04-05. Review status: criteria provided, single submitter. Criteria: GeneDx Variant Classification (06012015). Collection method: clinical testing. Allele origin: germline. Affected: yes.
Comment: This variant is considered likely benign or benign based on one or more of the following criteria: it is a conservative change, it occurs at a poorly conserved position in the protein, it is predicted to be benign by multiple in silico algorithms, and/or has population frequency not consistent with disease.

NM_002294.3(LAMP2):c.64+16C>G

Gene: LAMP2 (lysosomal associated membrane protein 2; minus strand). Cytogenetic location: Xq24.
Variant type: single nucleotide variant.
Coding change: c.64+16C>G on transcript NM_002294.3 (MANE Select); 16 bases into the intron after coding-DNA position 64, C replaced by G.
Molecular consequence: intron variant.
Genome position (GRCh38, 1-based): chrX:120,469,090, G>C on the plus strand (C>G on the coding strand, the complement: LAMP2 is on the minus strand). VCF-style: chrX-120469090-G-C. GRCh37 (hg19) VCF-style: chrX-119602945-G-C.
Other names: c.64+16C>G (NM_001122606.1, NM_013995.2).
Identifiers: ClinVar variation 508715 (VCV000508715.1), dbSNP rs780307352, ClinGen allele CA10505368.